The following is an entry in ClinVar:

NM_005591.4(MRE11):c.698T>G (p.Phe233Cys)

Gene: MRE11 (MRE11 double strand break repair nuclease; minus strand). Cytogenetic location: 11q21.
Variant type: single nucleotide variant.
Coding change: c.698T>G on transcript NM_005591.4 (MANE Select); coding-DNA position 698, T replaced by G.
Protein change: p.Phe233Cys; replaces phenylalanine 233 with cysteine.
Molecular consequence: missense variant.
Genome position (GRCh38, 1-based): chr11:94,471,721, A>C on the plus strand (T>G on the coding strand, the complement: MRE11 is on the minus strand). VCF-style: chr11-94471721-A-C. GRCh37 (hg19) VCF-style: chr11-94204887-A-C.
Other names: c.698T>G, p.Phe233Cys (NM_001330347.2, NM_005590.4); short protein forms F233C.
Identifiers: ClinVar variation 826753 (VCV000826753.5), dbSNP rs781557469, ClinGen allele CA6235314.

ClinVar aggregate classification (germline): Uncertain significance (1 of 4 stars; one submission).

Conditions:
Hereditary cancer-predisposing syndrome. Also called: Neoplastic Syndromes, Hereditary; Tumor predisposition; Hereditary neoplastic syndrome; Hereditary Cancer Syndrome. Identifiers: Orphanet 140162, MedGen C0027672, MeSH D009386, MONDO:0015356.

Allele frequency attached by ClinVar (database versions not stated): gnomAD exomes below 0.00001; ExAC 0.00002.
gnomAD v4.1: 1 of 1,612,432 alleles (0.000062%); highest among the groups gnomAD compares: Non-Finnish European, 0.000085%; no homozygotes.

Submission:

Ambry Genetics
Classification: Uncertain significance for Hereditary cancer-predisposing syndrome. Last evaluated: 2024-11-15. Review status: criteria provided, single submitter. Criteria: Ambry Variant Classification Scheme 2023. Collection method: clinical testing. Allele origin: germline.
Comment: The p.F233C variant (also known as c.698T>G), located in coding exon 7 of the MRE11A gene, results from a T to G substitution at nucleotide position 698. The phenylalanine at codon 233 is replaced by cysteine, an amino acid with highly dissimilar properties. This amino acid position is highly conserved in available vertebrate species. In addition, this alteration is predicted to be deleterious by in silico analysis. Based on the available evidence, the clinical significance of this variant remains unclear.